The following is an entry in ClinVar:

NM_015650.4(TRAF3IP1):c.1831G>A (p.Val611Met)

Gene: TRAF3IP1 (TRAF3 interacting protein 1; plus strand). Cytogenetic location: 2q37.3.
Variant type: single nucleotide variant.
Coding change: c.1831G>A on transcript NM_015650.4 (MANE Select); coding-DNA position 1831, G replaced by A.
Protein change: p.Val611Met; replaces valine 611 with methionine.
Molecular consequence: missense variant.
Genome position (GRCh38, 1-based): chr2:238,397,600, G>A. VCF-style: chr2-238397600-G-A. GRCh37 (hg19) VCF-style: chr2-239306241-G-A.
Other names: c.1633G>A, p.Val545Met (NM_001139490.1); c.1831G>A (NM_015650.3); short protein forms V545M, V611M.
Identifiers: ClinVar variation 1927894 (VCV001927894.3), dbSNP rs771484689, ClinGen allele CA2198586.

ClinVar aggregate classification (germline): Uncertain significance. Review status: criteria provided, multiple submitters, no conflicts (2 of 4 stars). 2 submissions from 2 submitters: Uncertain significance (2). Last evaluated 2025-12-02.

Conditions:
Inborn genetic diseases. Identifiers: MedGen C0950123, MeSH D030342.

Allele frequency attached by ClinVar (database versions not stated): TOPMed below 0.00001; ExAC 0.00002; gnomAD exomes 0.00001.
gnomAD v4.1: 11 of 1,612,950 alleles (0.00068%); highest among the groups gnomAD compares: South Asian, 0.0099%; no homozygotes.

Submissions (2):

Ambry Genetics
Classification: Uncertain significance for Inborn genetic diseases. Last evaluated: 2025-12-02. Review status: criteria provided, single submitter. Criteria: Ambry Variant Classification Scheme 2023. Collection method: clinical testing. Allele origin: germline.

Labcorp Genetics (formerly Invitae), Labcorp
Classification: Uncertain significance. Last evaluated: 2022-03-22. Review status: criteria provided, single submitter. Criteria: Invitae Variant Classification Sherloc (09022015). Collection method: clinical testing. Allele origin: germline.
Comment: This sequence change replaces valine, which is neutral and non-polar, with methionine, which is neutral and non-polar, at codon 611 of the TRAF3IP1 protein (p.Val611Met). This variant is present in population databases (rs771484689, gnomAD 0.01%). This variant has not been reported in the literature in individuals affected with TRAF3IP1-related conditions. Algorithms developed to predict the effect of missense changes on protein structure and function output the following: SIFT: "Tolerated"; PolyPhen-2: "Benign"; Align-GVGD: "Class C0". The methionine amino acid residue is found in multiple mammalian species, which suggests that this missense change does not adversely affect protein function. In summary, the available evidence is currently insufficient to determine the role of this variant in disease. Therefore, it has been classified as a Variant of Uncertain Significance.